The following is an entry in ClinVar:

ClinVar aggregate classification (germline): Benign (1 of 4 stars; one submission).

gnomAD v4.1: 43 of 152,044 alleles (0.028%); highest among the groups gnomAD compares: African/African-American, 0.1%; no homozygotes.

Submission:

CeGaT Center for Human Genetics Tuebingen
Classification: Benign. Last evaluated: 2022-07-01. Review status: criteria provided, single submitter. Criteria: CeGaT Center For Human Genetics Tuebingen Variant Classification Criteria Version 2. Collection method: clinical testing. Allele origin: germline. Affected: yes. Observed: 1 variant allele.
Comment: SORL1: BS1, BS2

NM_003105.6(SORL1):c.528+3773A>C

Gene: SORL1 (sortilin related receptor 1; plus strand). Cytogenetic location: 11q24.1.
Variant type: single nucleotide variant.
Coding change: c.528+3773A>C on transcript NM_003105.6 (MANE Select); 3773 bases into the intron after coding-DNA position 528, A replaced by C.
Molecular consequence: intron variant.
Genome position (GRCh38, 1-based): chr11:121,482,016, A>C. VCF-style: chr11-121482016-A-C. GRCh37 (hg19) VCF-style: chr11-121352725-A-C.
Identifiers: ClinVar variation 2642476 (VCV002642476.24), dbSNP rs1056750415, ClinGen allele CA229964326.